The following is an entry in ClinVar:

ClinVar aggregate classification (germline): Likely pathogenic. Review status: criteria provided, multiple submitters, no conflicts (2 of 4 stars). 2 submissions from 2 submitters: Likely pathogenic (2). Last evaluated 2025-08-05.

Conditions:
Cystinuria (CSNU). Also called: CYSTINURIA, TYPE I; CYSTINURIA, TYPE II; CYSTINURIA, TYPE III; Cystinuria, non-type I. Identifiers: Orphanet 214, MedGen C0010691, MONDO:0009067, OMIM 220100, HP:0003131.

Submissions (2):

First Genomix Gene Laboratory, Genetic Diagnostics Department
Classification: Likely pathogenic for Cystinuria. Last evaluated: 2025-08-05. Review status: criteria provided, single submitter. Criteria: ACMG Guidelines, 2015. Collection method: clinical testing. Allele origin: germline. Inheritance: Autosomal recessive inheritance. Affected: no. Observed: 1 variant allele.

MVZ Medizinische Genetik Mainz
Classification: Likely pathogenic for Cystinuria. Last evaluated: 2021-09-24. Review status: criteria provided, single submitter. Criteria: UK Practice Guidelines For Variant Classification V4 01 2020. Collection method: clinical testing. Allele origin: germline. Inheritance: Autosomal recessive inheritance. Affected: yes. Observed: 1 variant allele.

NM_000341.4(SLC3A1):c.899del (p.Leu300fs)

Gene: SLC3A1 (solute carrier family 3 member 1; plus strand). Cytogenetic location: 2p21.
Variant type: Deletion.
Coding change: c.899del on transcript NM_000341.4 (MANE Select); coding-DNA position 899, one base deleted (T; older notation c.899delT).
Protein change: p.Leu300fs; shifts the reading frame from leucine 300.
Molecular consequence: frameshift variant.
Genome position (GRCh38, 1-based): chr2:44,299,978, T deleted; the last of 4 consecutive T bases (chr2:44,299,975-44,299,978); deleting any one gives the same sequence. VCF-style (leftmost placement, unchanged base first): chr2-44299974-AT-A. GRCh37 (hg19) VCF-style: chr2-44527113-AT-A.
Other names: c.899delT (NM_000341.4); short protein forms L300fs.
Identifiers: ClinVar variation 3068403 (VCV003068403.2), dbSNP rs1671960904, ClinGen allele CA2494207795.